The following is an entry in ClinVar:

NM_000245.4(MET):c.2236G>T (p.Glu746Ter)

Gene: MET (MET proto-oncogene, receptor tyrosine kinase; plus strand). Cytogenetic location: 7q31.2.
Variant type: single nucleotide variant.
Coding change: c.2236G>T on transcript NM_000245.4 (MANE Select); coding-DNA position 2236, G replaced by T.
Protein change: p.Glu746Ter; replaces glutamic acid 746 with a stop codon.
Molecular consequence: nonsense.
Genome position (GRCh38, 1-based): chr7:116,758,592, G>T. VCF-style: chr7-116758592-G-T. GRCh37 (hg19) VCF-style: chr7-116398646-G-T.
Other names: c.2236G>T, p.Glu746Ter (NM_001127500.3, NM_001324401.3); c.946G>T, p.Glu316Ter (NM_001324402.2); short protein forms E316*, E746*.
Identifiers: ClinVar variation 1788196 (VCV001788196.2), dbSNP rs2116932492, ClinGen allele CA368980824.

ClinVar aggregate classification (germline): Uncertain significance (1 of 4 stars; one submission).

Conditions:
Hereditary cancer-predisposing syndrome. Also called: Neoplastic Syndromes, Hereditary; Tumor predisposition; Hereditary Cancer Syndrome; Hereditary neoplastic syndrome. Identifiers: Orphanet 140162, MedGen C0027672, MeSH D009386, MONDO:0015356.

Submission:

Ambry Genetics
Classification: Uncertain significance for Hereditary cancer-predisposing syndrome. Last evaluated: 2020-01-02. Review status: criteria provided, single submitter. Criteria: Ambry Variant Classification Scheme 2023. Collection method: clinical testing. Allele origin: germline.
Comment: The p.E746* variant (also known as c.2236G>T), located in coding exon 8 of the MET gene, results from a G to T substitution at nucleotide position 2236. This changes the amino acid from a glutamic acid to a stop codon within coding exon 8. This alteration is expected to result in loss of function by premature protein truncation or nonsense-mediated mRNA decay. However, loss of function of MET has not been clearly established as a mechanism of disease. Since supporting evidence is limited at this time, the clinical significance of this alteration remains unclear.